The following is an entry in ClinVar:

NM_001347721.2(DYRK1A):c.1136C>T (p.Ala379Val)

Gene: DYRK1A (dual specificity tyrosine phosphorylation regulated kinase 1A; plus strand). Cytogenetic location: 21q22.13.
Variant type: single nucleotide variant.
Coding change: c.1136C>T on transcript NM_001347721.2 (MANE Select); coding-DNA position 1136, C replaced by T.
Protein change: p.Ala379Val; replaces alanine 379 with valine.
Molecular consequence: missense variant.
Genome position (GRCh38, 1-based): chr21:37,496,182, C>T. VCF-style: chr21-37496182-C-T. GRCh37 (hg19) VCF-style: chr21-38868484-C-T.
Other names: c.1163C>T (NM_001396.3); c.1136C>T, p.Ala379Val (NM_001347722.2, NM_130436.2); c.1049C>T, p.Ala350Val (NM_001347723.2); c.1163C>T, p.Ala388Val (NM_001396.5, NM_101395.2, NM_130438.2); short protein forms A350V, A379V, A388V.
Identifiers: ClinVar variation 1720121 (VCV001720121.7), dbSNP rs2518048278, ClinGen allele CA409936931.
Genomic context (GRCh38, chr21:37,496,182, plus strand): 5'-ATCAGATGAATAAAATAGTGGAAGTTCTGGGTATTCCACCTGCTCATATTCTTGACCAAG[C>T]ACCAAAAGCAAGAAAGTTCTTTGAGAAGTTGCCAGATGGCACTTGGAACTTAAAGAAGAC-3'
Protein context (NP_001334650.1, residues 369-389): GIPPAHILDQ[Ala379Val]PKARKFFEKL

ClinVar aggregate classification (germline): Uncertain significance. Review status: criteria provided, multiple submitters, no conflicts (2 of 4 stars). 2 submissions from 2 submitters: Uncertain significance (2). Last evaluated 2024-05-15.

Conditions:
DYRK1A-related intellectual disability syndrome (MRD7). Also called: DYRK1A Syndrome; Intellectual developmental disorder, autosomal dominant 7. Identifiers: Orphanet 464306, MedGen C5568143, MONDO:0013578, OMIM 614104.

Allele frequency attached by ClinVar (database versions not stated): gnomAD exomes below 0.00001.
gnomAD v4.1: 1 of 1,614,052 alleles (0.000062%); highest among the groups gnomAD compares: Non-Finnish European, 0.000085%; no homozygotes.

Submissions (2):

GeneDx
Classification: Uncertain significance. Last evaluated: 2024-05-15. Review status: criteria provided, single submitter. Criteria: GeneDx Variant Classification Process June 2021. Collection method: clinical testing. Allele origin: germline. Affected: yes.
Comment: Not observed at significant frequency in large population cohorts (gnomAD); In silico analysis supports that this missense variant has a deleterious effect on protein structure/function; Has not been previously published as pathogenic or benign to our knowledge

Labcorp Genetics (formerly Invitae), Labcorp
Classification: Uncertain significance for DYRK1A-related intellectual disability syndrome. Last evaluated: 2022-09-23. Review status: criteria provided, single submitter. Criteria: Invitae Variant Classification Sherloc (09022015). Collection method: clinical testing. Allele origin: germline.
Comment: This sequence change replaces alanine, which is neutral and non-polar, with valine, which is neutral and non-polar, at codon 388 of the DYRK1A protein (p.Ala388Val). This variant is not present in population databases (gnomAD no frequency). This variant has not been reported in the literature in individuals affected with DYRK1A-related conditions. Advanced modeling of protein sequence and biophysical properties (such as structural, functional, and spatial information, amino acid conservation, physicochemical variation, residue mobility, and thermodynamic stability) performed at Invitae indicates that this missense variant is expected to disrupt DYRK1A protein function. In summary, the available evidence is currently insufficient to determine the role of this variant in disease. Therefore, it has been classified as a Variant of Uncertain Significance.